The following is an entry in ClinVar:

NM_032525.3(TUBB6):c.707T>A (p.Val236Asp)

Gene: TUBB6 (tubulin beta 6 class V; plus strand). Cytogenetic location: 18p11.21.
Variant type: single nucleotide variant.
Coding change: c.707T>A on transcript NM_032525.3 (MANE Select); coding-DNA position 707, T replaced by A.
Protein change: p.Val236Asp; replaces valine 236 with aspartic acid.
Molecular consequence: missense variant. On other transcripts: intron variant (1).
Genome position (GRCh38, 1-based): chr18:12,325,496, T>A. VCF-style: chr18-12325496-T-A. GRCh37 (hg19) VCF-style: chr18-12325495-T-A.
Other names: c.707T>A, p.Val236Asp (NM_001303524.1); c.596T>A, p.Val199Asp (NM_001303526.2); c.491T>A, p.Val164Asp (NM_001303527.2); c.512T>A, p.Val171Asp (NM_001303528.2); c.269T>A, p.Val90Asp (NM_001303529.3, NM_001303530.3); c.278-3650T>A (NM_001303525.2); short protein forms V164D, V171D, V199D, V236D, V90D.
Identifiers: ClinVar variation 2632779 (VCV002632779.2), dbSNP rs2510213055, ClinGen allele CA401943752.

ClinVar aggregate classification (germline): Uncertain significance (0 of 4 stars; one submission).

Conditions:
TUBB6-related disorder. Also called: TUBB6-related condition.

Submission:

PreventionGenetics, part of Exact Sciences
Classification: Uncertain significance for TUBB6-related condition. Last evaluated: 2024-07-19. Review status: no assertion criteria provided. Collection method: clinical testing. Allele origin: germline.
Comment: The TUBB6 c.707T>A variant is predicted to result in the amino acid substitution p.Val236Asp. To our knowledge, this variant has not been reported in the literature or in a large population database, indicating this variant is rare. At this time, the clinical significance of this variant is uncertain due to the absence of conclusive functional and genetic evidence.